The following is an entry in ClinVar:

ClinVar aggregate classification (germline): Uncertain significance (1 of 4 stars; one submission).

Allele frequency attached by ClinVar (database versions not stated): gnomAD exomes below 0.00001; ExAC 0.00002; ESP Exome Variant Server 0.00008.

Submission:

Labcorp Genetics (formerly Invitae), Labcorp
Classification: Uncertain significance. Last evaluated: 2025-11-03. Review status: criteria provided, single submitter. Criteria: Invitae Variant Classification Sherloc (09022015). Collection method: clinical testing. Allele origin: germline.
Comment: This sequence change replaces arginine, which is basic and polar, with tryptophan, which is neutral and slightly polar, at codon 375 of the GABRB1 protein (p.Arg375Trp). This variant is present in population databases (rs369644137, gnomAD 0.0009%). This variant has not been reported in the literature in individuals affected with GABRB1-related conditions. ClinVar contains an entry for this variant (Variation ID: 1504749). Invitae Evidence Modeling of protein sequence and biophysical properties (such as structural, functional, and spatial information, amino acid conservation, physicochemical variation, residue mobility, and thermodynamic stability) indicates that this missense variant is not expected to disrupt GABRB1 protein function with a negative predictive value of 80%. In summary, the available evidence is currently insufficient to determine the role of this variant in disease. Therefore, it has been classified as a Variant of Uncertain Significance.

NM_000812.4(GABRB1):c.1123C>T (p.Arg375Trp)

Gene: GABRB1 (gamma-aminobutyric acid type A receptor subunit beta1; plus strand). Cytogenetic location: 4p12.
Variant type: single nucleotide variant.
Coding change: c.1123C>T on transcript NM_000812.4 (MANE Select); coding-DNA position 1123, C replaced by T.
Protein change: p.Arg375Trp; replaces arginine 375 with tryptophan.
Molecular consequence: missense variant.
Genome position (GRCh38, 1-based): chr4:47,425,716, C>T. VCF-style: chr4-47425716-C-T. GRCh37 (hg19) VCF-style: chr4-47427733-C-T.
Other names: short protein forms R375W.
Identifiers: ClinVar variation 1504749 (VCV001504749.6), dbSNP rs369644137, ClinGen allele CA2907764.